The following is an entry in ClinVar:

ClinVar aggregate classification (germline): Conflicting classifications of pathogenicity. Review status: criteria provided, conflicting classifications (1 of 4 stars). 4 submissions from 4 submitters: Pathogenic (1); Likely pathogenic (1); Uncertain significance (2). Last evaluated 2024-05-19.

Conditions:
Aortic valve disease 2 (AOVD2). Identifiers: MedGen C3542024, MONDO:0013902, OMIM 614823.
Craniosynostosis 7 (CRS7). Also called: CRANIOSYNOSTOSIS 7, DIGENIC; CRS7, DIGENIC. Identifiers: MedGen C4479496, MONDO:0044315, OMIM 617439.
Radioulnar synostosis, nonsyndromic, susceptibility to. Identifiers: MedGen C5241445, MONDO:0100183, OMIM 179300.

Allele frequency attached by ClinVar (database versions not stated): gnomAD exomes below 0.00001.
gnomAD v4.1: 3 of 1,608,892 alleles (0.00019%); highest among the groups gnomAD compares: Non-Finnish European, 0.00025%; no homozygotes.

Submissions (4):

Labcorp Genetics (formerly Invitae), Labcorp
Classification: Uncertain significance for Aortic valve disease 2. Last evaluated: 2024-05-19. Review status: criteria provided, single submitter. Criteria: Invitae Variant Classification Sherloc (09022015). Collection method: clinical testing. Allele origin: germline.
Comment: This sequence change creates a premature translational stop signal (p.Gln362*) in the SMAD6 gene. While this is not anticipated to result in nonsense mediated decay, it is expected to disrupt the last 135 amino acid(s) of the SMAD6 protein. This variant is not present in population databases (gnomAD no frequency). This variant has not been reported in the literature in individuals affected with SMAD6-related conditions. ClinVar contains an entry for this variant (Variation ID: 871071). Experimental studies and prediction algorithms are not available or were not evaluated, and the functional significance of this variant is currently unknown. In summary, the available evidence is currently insufficient to determine the role of this variant in disease. Therefore, it has been classified as a Variant of Uncertain Significance.

Fulgent Genetics
Classification: Likely pathogenic for Radioulnar synostosis, nonsyndromic, susceptibility to; Aortic valve disease 2; Craniosynostosis 7. Last evaluated: 2024-04-12. Review status: criteria provided, single submitter. Criteria: ACMG Guidelines, 2015. Collection method: clinical testing. Allele origin: germline.

GeneDx
Classification: Uncertain significance. Last evaluated: 2019-10-30. Review status: criteria provided, single submitter. Criteria: GeneDx Variant Classification Process June 2021. Collection method: clinical testing. Allele origin: germline. Affected: yes.
Comment: Not observed in large population cohorts (Lek et al., 2016); Nonsense variant predicted to result in protein truncation, although loss-of-function is not a known mechanism of disease for this gene; Has not been previously published as pathogenic or benign to our knowledge

CeGaT Center for Human Genetics Tuebingen
Classification: Pathogenic. Last evaluated: 2018-08-01. Review status: criteria provided, single submitter. Criteria: CeGaT Center For Human Genetics Tuebingen Variant Classification Criteria Version 2. Collection method: clinical testing. Allele origin: germline. Affected: yes. Observed: 3 variant alleles.

NM_005585.5(SMAD6):c.1084C>T (p.Gln362Ter)

Gene: SMAD6 (SMAD family member 6; plus strand). Cytogenetic location: 15q22.31.
Variant type: single nucleotide variant.
Coding change: c.1084C>T on transcript NM_005585.5 (MANE Select); coding-DNA position 1084, C replaced by T.
Protein change: p.Gln362Ter; replaces glutamine 362 with a stop codon.
Molecular consequence: nonsense. On other transcripts: non-coding transcript variant (1).
Genome position (GRCh38, 1-based): chr15:66,781,128, C>T. VCF-style: chr15-66781128-C-T. GRCh37 (hg19) VCF-style: chr15-67073466-C-T.
Other names: short protein forms Q362*.
Identifiers: ClinVar variation 871071 (VCV000871071.47), dbSNP rs1894556452, ClinGen allele CA393201824.